The following is an entry in ClinVar:

NM_002095.6(GTF2E2):c.581G>A (p.Arg194His)

Gene: GTF2E2 (general transcription factor IIE subunit 2; minus strand). Cytogenetic location: 8p12.
Variant type: single nucleotide variant.
Coding change: c.581G>A on transcript NM_002095.6 (MANE Select); coding-DNA position 581, G replaced by A.
Protein change: p.Arg194His; replaces arginine 194 with histidine.
Molecular consequence: missense variant.
Genome position (GRCh38, 1-based): chr8:30,607,119, C>T on the plus strand (G>A on the coding strand, the complement: GTF2E2 is on the minus strand). VCF-style: chr8-30607119-C-T. GRCh37 (hg19) VCF-style: chr8-30464636-C-T.
Other names: c.581G>A, p.Arg194His (NM_001348353.1); short protein forms R194H.
Identifiers: ClinVar variation 3711617 (VCV003711617.1).
Genomic context (GRCh38, chr8:30,607,119, plus strand): 5'-TCATCCACAGAAAACTGACAGCTCTTATCATTGAAGAAAAGTATTTTCTTCTTATCGGGA[C>T]GATTTACAAATAGTATCTGGTCCCCCAAAGCCTTAAAGATAGATAAAATAAAGATTTTTC-3'
Protein context (NP_002086.1, residues 184-204): ALGDQILFVN[Arg194His]PDKKKILFFN

ClinVar aggregate classification (germline): Uncertain significance (1 of 4 stars; one submission).

gnomAD v4.1: 24 of 1,476,538 alleles (0.0016%); highest among the groups gnomAD compares: African/African-American, 0.0028%; no homozygotes.

Submission:

Labcorp Genetics (formerly Invitae), Labcorp
Classification: Uncertain significance. Last evaluated: 2025-02-03. Review status: criteria provided, single submitter. Criteria: Invitae Variant Classification Sherloc (09022015). Collection method: clinical testing. Allele origin: germline.
Comment: This sequence change replaces arginine, which is basic and polar, with histidine, which is basic and polar, at codon 194 of the GTF2E2 protein (p.Arg194His). This variant is present in population databases (rs527328234, gnomAD 0.007%). This variant has not been reported in the literature in individuals affected with GTF2E2-related conditions. Invitae Evidence Modeling of protein sequence and biophysical properties (such as structural, functional, and spatial information, amino acid conservation, physicochemical variation, residue mobility, and thermodynamic stability) indicates that this missense variant is expected to disrupt GTF2E2 protein function with a positive predictive value of 80%. In summary, the available evidence is currently insufficient to determine the role of this variant in disease. Therefore, it has been classified as a Variant of Uncertain Significance.